The following is an entry in ClinVar:

ClinVar aggregate classification (germline): Uncertain significance. Review status: criteria provided, multiple submitters, no conflicts (2 of 4 stars). 4 submissions from 4 submitters: Uncertain significance (4). Last evaluated 2025-10-02.

Conditions:
Ullrich congenital muscular dystrophy 2 (UCMD2). Identifiers: Orphanet 75840, MedGen C4225314, MONDO:0014654, OMIM 616470.
Bethlem myopathy 2 (BTHLM2). Identifiers: Orphanet 536516, Orphanet 610, MedGen C4225313, MONDO:0034022, OMIM 616471.
Inborn genetic diseases. Identifiers: MedGen C0950123, MeSH D030342.

Allele frequency attached by ClinVar (database versions not stated): gnomAD 0.00003 and 0.00004; ESP Exome Variant Server 0.00008; gnomAD exomes 0.00002; TOPMed 0.00002; ExAC 0.00003.
gnomAD v4.1: 32 of 1,613,564 alleles (0.002%); highest among the groups gnomAD compares: Non-Finnish European, 0.0026%; no homozygotes.

Submissions (4):

Labcorp Genetics (formerly Invitae), Labcorp
Classification: Uncertain significance for Bethlem myopathy 2; Ullrich congenital muscular dystrophy 2. Last evaluated: 2025-10-02. Review status: criteria provided, single submitter. Criteria: Invitae Variant Classification Sherloc (09022015). Collection method: clinical testing. Allele origin: germline.
Comment: This sequence change replaces leucine, which is neutral and non-polar, with valine, which is neutral and non-polar, at codon 1240 of the COL12A1 protein (p.Leu1240Val). This variant is present in population databases (rs368773405, gnomAD 0.006%). This variant has not been reported in the literature in individuals affected with COL12A1-related conditions. ClinVar contains an entry for this variant (Variation ID: 1053437). An algorithm developed to predict the effect of missense changes on protein structure and function (PolyPhen-2) suggests that this variant is likely to be disruptive. In summary, the available evidence is currently insufficient to determine the role of this variant in disease. Therefore, it has been classified as a Variant of Uncertain Significance.

Revvity Omics, Revvity
Classification: Uncertain significance. Last evaluated: 2023-09-26. Review status: criteria provided, single submitter. Criteria: ACMG Guidelines, 2015. Collection method: clinical testing. Allele origin: germline.

GeneDx
Classification: Uncertain significance. Last evaluated: 2023-07-19. Review status: criteria provided, single submitter. Criteria: GeneDx Variant Classification Process June 2021. Collection method: clinical testing. Allele origin: germline. Affected: yes.
Comment: In silico analysis supports that this missense variant does not alter protein structure/function; Has not been previously published as pathogenic or benign to our knowledge

Ambry Genetics
Classification: Uncertain significance for Inborn genetic diseases. Last evaluated: 2022-11-08. Review status: criteria provided, single submitter. Criteria: Ambry Variant Classification Scheme 2023. Collection method: clinical testing. Allele origin: germline.

NM_004370.6(COL12A1):c.3718C>G (p.Leu1240Val)

Gene: COL12A1 (collagen type XII alpha 1 chain; minus strand). Cytogenetic location: 6q13.
Variant type: single nucleotide variant.
Coding change: c.3718C>G on transcript NM_004370.6 (MANE Select); coding-DNA position 3718, C replaced by G.
Protein change: p.Leu1240Val; replaces leucine 1240 with valine.
Molecular consequence: missense variant.
Genome position (GRCh38, 1-based): chr6:75,152,248, G>C on the plus strand (C>G on the coding strand, the complement: COL12A1 is on the minus strand). VCF-style: chr6-75152248-G-C. GRCh37 (hg19) VCF-style: chr6-75861964-G-C.
Other names: c.3718C>G (NM_004370.5); c.226C>G, p.Leu76Val (NM_080645.3); short protein forms L1240V, L76V.
Identifiers: ClinVar variation 1053437 (VCV001053437.11), dbSNP rs368773405, ClinGen allele CA3893632.